The following is an entry in ClinVar:

ClinVar aggregate classification (germline): Uncertain significance (1 of 4 stars; one submission).

Submission:

GeneDx
Classification: Uncertain significance. Last evaluated: 2026-02-06. Review status: criteria provided, single submitter. Criteria: GeneDx Variant Classification Process June 2021. Collection method: clinical testing. Allele origin: germline.
Comment: Not observed at significant frequency in large population cohorts (gnomAD); In silico analysis suggests that this missense variant does not alter protein structure/function; Has not been previously published as pathogenic or benign to our knowledge

NM_001009944.3(PKD1):c.11560C>G (p.Leu3854Val)

Genes: PKD1 (polycystin 1, transient receptor potential channel interacting; minus strand), PKD1-AS1 (PKD1 antisense RNA 1; plus strand). Cytogenetic location: 16p13.3.
Variant type: single nucleotide variant.
Coding change: c.11560C>G on transcript NM_001009944.3 (MANE Select); coding-DNA position 11560, C replaced by G.
Protein change: p.Leu3854Val; replaces leucine 3854 with valine.
Molecular consequence: missense variant. On other transcripts: non-coding transcript variant (1).
Genome position (GRCh38, 1-based): chr16:2,091,575, G>C on the plus strand (C>G on the coding strand, the complement: PKD1 is on the minus strand). VCF-style: chr16-2091575-G-C. GRCh37 (hg19) VCF-style: chr16-2141576-G-C.
Other names: c.11557C>G, p.Leu3853Val (NM_000296.4); short protein forms L3853V, L3854V.
Identifiers: ClinVar variation 4976056 (VCV004976056.1).